The following is an entry in ClinVar:

NM_001754.5(RUNX1):c.648C>G (p.Pro216=)

Gene: RUNX1 (RUNX family transcription factor 1; minus strand). Cytogenetic location: 21q22.12.
Variant type: single nucleotide variant.
Coding change: c.648C>G on transcript NM_001754.5 (MANE Select); coding-DNA position 648, C replaced by G.
Protein change: p.Pro216=; no amino-acid change (proline 216 retained).
Molecular consequence: synonymous variant.
Genome position (GRCh38, 1-based): chr21:34,834,567, G>C on the plus strand (C>G on the coding strand, the complement: RUNX1 is on the minus strand). VCF-style: chr21-34834567-G-C. GRCh37 (hg19) VCF-style: chr21-36206864-G-C.
Other names: NM_001754.5(RUNX1):c.648C>G; p.Pro216=; c.567C>G, p.Pro189= (NM_001001890.3, NM_001122607.2).
Identifiers: ClinVar variation 2883142 (VCV002883142.5), dbSNP rs199759556, ClinGen allele CA512318686.

ClinVar aggregate classification (germline): Likely benign. Review status: reviewed by expert panel (3 of 4 stars). 3 submissions from 3 submitters: Likely benign (1). 2 of the submissions do not count toward it. Last evaluated 2024-09-18.

Conditions:
Inborn genetic diseases. Identifiers: MedGen C0950123, MeSH D030342.
Hereditary thrombocytopenia and hematological cancer predisposition syndrome associated with RUNX1. Also called: Familial Platelet Disorder with Propensity to Acute Myelogenous Leukemia; Familial thrombocytopenia with propensity to acute myelogenous leukemia; PLATELET DISORDER, ASPIRIN-LIKE; RUNX1 Familial Platelet Disorder with Associated Myeloid Malignancies. Identifiers: Orphanet 71290, MedGen C1832388, MeSH C563324, MONDO:0100083, OMIM 601399.
Hereditary thrombocytopenia and hematologic cancer predisposition syndrome. Identifiers: Orphanet 71290, MedGen CN281654, MONDO:0011071.

gnomAD v4.1: 1 of 1,612,526 alleles (0.000062%); highest among the groups gnomAD compares: Admixed American, 0.0017%; no homozygotes.

Submissions (3):

ClinGen Myeloid Malignancy Variant Curation Expert Panel
Classification: Likely benign for Hereditary thrombocytopenia and hematologic cancer predisposition syndrome. Last evaluated: 2024-09-18. Review status: reviewed by expert panel. Criteria: ClinGen MyeloMalig ACMG Specifications v2. Collection method: curation. Allele origin: germline. Inheritance: Autosomal dominant inheritance.
Comment: NM_001754.5(RUNX1):c.648C>G (p.Pro216=) is a synonymous variant which has a SpliceAI score ≤ 0.20 (0.0) (BP4). This variant has a SpliceAI score ≤ 0.20 (0.0) and evolutionary conservation algorithms predict the site as being not conserved (PhyloP score ≤ 2.0 (-2.76) (BP7). This variant is completely absent from all population databases with at least 20x coverage for RUNX1 (PM2_Supporting). In summary, this variant meets criteria to be classified as likely benign. ACMG/AMP criteria applied, as specified by the Myeloid Malignancy Variant Curation Expert Panel for RUNX1: BP4, BP7, PM2_supporting.

Ambry Genetics
Classification: Likely benign for Inborn genetic diseases. Last evaluated: 2025-01-08. Review status: criteria provided, single submitter. Criteria: Ambry Variant Classification Scheme 2023. Collection method: clinical testing. Allele origin: germline. Not counted in ClinVar's aggregate classification.

Labcorp Genetics (formerly Invitae), Labcorp
Classification: Likely benign for Hereditary thrombocytopenia and hematological cancer predisposition syndrome associated with RUNX1. Last evaluated: 2023-08-03. Review status: criteria provided, single submitter. Criteria: Invitae Variant Classification Sherloc (09022015). Collection method: clinical testing. Allele origin: germline. Not counted in ClinVar's aggregate classification.